The following is an entry in ClinVar:

NM_000057.4(BLM):c.1798C>A (p.Leu600Ile)

Gene: BLM (BLM RecQ like helicase; plus strand). Cytogenetic location: 15q26.1.
Variant type: single nucleotide variant.
Coding change: c.1798C>A on transcript NM_000057.4 (MANE Select); coding-DNA position 1798, C replaced by A.
Protein change: p.Leu600Ile; replaces leucine 600 with isoleucine.
Molecular consequence: missense variant.
Genome position (GRCh38, 1-based): chr15:90,761,171, C>A. VCF-style: chr15-90761171-C-A. GRCh37 (hg19) VCF-style: chr15-91304401-C-A.
Other names: c.1798C>A, p.Leu600Ile (NM_001287246.2, NM_001287247.2); c.673C>A, p.Leu225Ile (NM_001287248.2); short protein forms L225I, L600I.
Identifiers: ClinVar variation 3646907 (VCV003646907.2).
Genomic context (GRCh38, chr15:90,761,171, plus strand): 5'-TCCACAGCTGCCTATCAACCCATCAAGGAAGGTCGGCCAATTAAATCAGTATCAGAAAGA[C>A]TTTCCTCAGCCAAGACAGACTGTCTTCCAGTGTCATCTACTGCTCAAAATATAAACTTCT-3'
Protein context (NP_000048.1, residues 590-610): GRPIKSVSER[Leu600Ile]SSAKTDCLPV

ClinVar aggregate classification (germline): Uncertain significance (1 of 4 stars; one submission).

Conditions:
Bloom syndrome (BLM). Also called: Bloom-Torre-Machacek syndrome. Identifiers: Orphanet 125, MedGen C0005859, MONDO:0008876, OMIM 210900.

Submission:

Labcorp Genetics (formerly Invitae), Labcorp
Classification: Uncertain significance for Bloom syndrome. Last evaluated: 2024-03-20. Review status: criteria provided, single submitter. Criteria: Invitae Variant Classification Sherloc (09022015). Collection method: clinical testing. Allele origin: germline.
Comment: This sequence change replaces leucine, which is neutral and non-polar, with isoleucine, which is neutral and non-polar, at codon 600 of the BLM protein (p.Leu600Ile). This variant is not present in population databases (gnomAD no frequency). This variant has not been reported in the literature in individuals affected with BLM-related conditions. Advanced modeling of protein sequence and biophysical properties (such as structural, functional, and spatial information, amino acid conservation, physicochemical variation, residue mobility, and thermodynamic stability) performed at Invitae indicates that this missense variant is not expected to disrupt BLM protein function with a negative predictive value of 80%. In summary, the available evidence is currently insufficient to determine the role of this variant in disease. Therefore, it has been classified as a Variant of Uncertain Significance.